The following is an entry in ClinVar:

NM_139276.3(STAT3):c.1235C>T (p.Thr412Ile)

Gene: STAT3 (signal transducer and activator of transcription 3; minus strand). Cytogenetic location: 17q21.2.
Variant type: single nucleotide variant.
Coding change: c.1235C>T on transcript NM_139276.3 (MANE Select); coding-DNA position 1235, C replaced by T.
Protein change: p.Thr412Ile; replaces threonine 412 with isoleucine.
Molecular consequence: missense variant.
Genome position (GRCh38, 1-based): chr17:42,329,456, G>A on the plus strand (C>T on the coding strand, the complement: STAT3 is on the minus strand). VCF-style: chr17-42329456-G-A. GRCh37 (hg19) VCF-style: chr17-40481474-G-A.
Other names: c.1235C>T, p.Thr412Ile (NM_001369512.1, NM_001369513.1, NM_001369514.1 and 12 more transcripts); c.1157C>T, p.Thr386Ile (NM_001384985.1); c.1250C>T, p.Thr417Ile (NM_001384986.1, NM_001384990.1); c.1139C>T, p.Thr380Ile (NM_001384989.1); c.1175C>T, p.Thr392Ile (NM_001384992.1); short protein forms T380I, T386I, T392I, T412I, T417I.
Identifiers: ClinVar variation 2498705 (VCV002498705.28), dbSNP rs2144767845, ClinGen allele CA399588515.

ClinVar aggregate classification (germline): Likely pathogenic (1 of 4 stars; one submission).

Submission:

CeGaT Center for Human Genetics Tuebingen
Classification: Likely pathogenic. Last evaluated: 2023-03-01. Review status: criteria provided, single submitter. Criteria: CeGaT Center For Human Genetics Tuebingen Variant Classification Criteria Version 2. Collection method: clinical testing. Allele origin: germline. Affected: yes. Observed: 1 variant allele.
Comment: STAT3: PM1, PM2, PM5, PP2, PP3